The following is an entry in ClinVar:

NM_001278512.2(AP3B2):c.1665+6G>A

Genes: AP3B2 (adaptor related protein complex 3 subunit beta 2; minus strand), CPEB1-AS1 (CPEB1 antisense RNA 1; plus strand). Cytogenetic location: 15q25.2.
Variant type: single nucleotide variant.
Coding change: c.1665+6G>A on transcript NM_001278512.2 (MANE Select); 6 bases into the intron after coding-DNA position 1665, G replaced by A.
Molecular consequence: intron variant.
Genome position (GRCh38, 1-based): chr15:82,676,455, C>T on the plus strand (G>A on the coding strand, the complement: AP3B2 is on the minus strand). VCF-style: chr15-82676455-C-T. GRCh37 (hg19) VCF-style: chr15-83345207-C-T.
Other names: c.1569+6G>A (NM_001278511.2); c.1665+6G>A (NM_004644.5, NM_004644.4).
Identifiers: ClinVar variation 2046609 (VCV002046609.6), dbSNP rs933466198, ClinGen allele CA273487579.

ClinVar aggregate classification (germline): Uncertain significance. Review status: criteria provided, single submitter (1 of 4 stars). 2 submissions from 2 submitters: Uncertain significance (1). 1 of the submissions does not count toward it. Last evaluated 2022-09-07.

Conditions:
AP3B2-related disorder. Also called: AP3B2-related condition.

Allele frequency attached by ClinVar (database versions not stated): gnomAD exomes below 0.00001; gnomAD 0.00001.
gnomAD v4.1: 3 of 1,613,382 alleles (0.00019%); highest among the groups gnomAD compares: Non-Finnish European, 0.00025%; no homozygotes.

Submissions (2):

Labcorp Genetics (formerly Invitae), Labcorp
Classification: Uncertain significance. Last evaluated: 2022-09-07. Review status: criteria provided, single submitter. Criteria: Invitae Variant Classification Sherloc (09022015). Collection method: clinical testing. Allele origin: germline.
Comment: In summary, the available evidence is currently insufficient to determine the role of this variant in disease. Therefore, it has been classified as a Variant of Uncertain Significance. Variants that disrupt the consensus splice site are a relatively common cause of aberrant splicing (PMID: 17576681, 9536098). Algorithms developed to predict the effect of sequence changes on RNA splicing suggest that this variant is not likely to affect RNA splicing. This variant has not been reported in the literature in individuals affected with AP3B2-related conditions. This variant is present in population databases (no rsID available, gnomAD 0.0009%). This sequence change falls in intron 14 of the AP3B2 gene. It does not directly change the encoded amino acid sequence of the AP3B2 protein. It affects a nucleotide within the consensus splice site.

PreventionGenetics, part of Exact Sciences
Classification: Likely benign for AP3B2-related condition. Last evaluated: 2021-01-08. Review status: no assertion criteria provided. Collection method: clinical testing. Allele origin: germline. Not counted in ClinVar's aggregate classification.
Comment: This variant is classified as likely benign based on ACMG/AMP sequence variant interpretation guidelines (Richards et al. 2015 PMID: 25741868, with internal and published modifications).

Literature cited by the submitters: PubMed 17576681 (cited by Labcorp Genetics (formerly Invitae), Labcorp); PubMed 9536098 (cited by Labcorp Genetics (formerly Invitae), Labcorp).